The following is an entry in ClinVar:

ClinVar aggregate classification (germline): Uncertain significance (1 of 4 stars; one submission).

Conditions:
TM4SF20-related disorder. Also called: TM4SF20-related condition.

Allele frequency attached by ClinVar (database versions not stated): TOPMed below 0.00001.

Submission:

PreventionGenetics, part of Exact Sciences
Classification: Uncertain significance for TM4SF20-related condition. Last evaluated: 2022-12-09. Review status: criteria provided, single submitter. Criteria: ACMG Guidelines, 2015. Collection method: clinical testing. Allele origin: germline.
Comment: The TM4SF20 c.457C>T variant is predicted to result in the amino acid substitution p.Pro153Ser. To our knowledge, this variant has not been reported in the literature or in a large population database, indicating this variant is rare. At this time, the clinical significance of this variant is uncertain due to the absence of conclusive functional and genetic evidence.

NM_024795.4(TM4SF20):c.457C>T (p.Pro153Ser)

Gene: TM4SF20 (transmembrane 4 L six family member 20; minus strand). Cytogenetic location: 2q36.3.
Variant type: single nucleotide variant.
Coding change: c.457C>T on transcript NM_024795.4 (MANE Select); coding-DNA position 457, C replaced by T.
Protein change: p.Pro153Ser; replaces proline 153 with serine.
Molecular consequence: missense variant.
Genome position (GRCh38, 1-based): chr2:227,363,957, G>A on the plus strand (C>T on the coding strand, the complement: TM4SF20 is on the minus strand). VCF-style: chr2-227363957-G-A. GRCh37 (hg19) VCF-style: chr2-228228673-G-A.
Other names: short protein forms P153S.
Identifiers: ClinVar variation 2635521 (VCV002635521.1), dbSNP rs2076377271, ClinGen allele CA350861190.